The following is an entry in ClinVar:

NM_001844.5(COL2A1):c.1438G>T (p.Gly480Ter)

Gene: COL2A1 (collagen type II alpha 1 chain; minus strand). Cytogenetic location: 12q13.11.
Variant type: single nucleotide variant.
Coding change: c.1438G>T on transcript NM_001844.5 (MANE Select); coding-DNA position 1438, G replaced by T.
Protein change: p.Gly480Ter; replaces glycine 480 with a stop codon.
Molecular consequence: nonsense.
Genome position (GRCh38, 1-based): chr12:47,986,425, C>A on the plus strand (G>T on the coding strand, the complement: COL2A1 is on the minus strand). VCF-style: chr12-47986425-C-A. GRCh37 (hg19) VCF-style: chr12-48380208-C-A.
Other names: c.1231G>T, p.Gly411Ter (NM_033150.3); short protein forms G411*, G480*.
Identifiers: ClinVar variation 2023708 (VCV002023708.4), dbSNP rs2136571464, ClinGen allele CA384552873.

ClinVar aggregate classification (germline): Pathogenic (1 of 4 stars; one submission).

Submission:

Labcorp Genetics (formerly Invitae), Labcorp
Classification: Pathogenic. Last evaluated: 2023-06-13. Review status: criteria provided, single submitter. Criteria: Invitae Variant Classification Sherloc (09022015). Collection method: clinical testing. Allele origin: germline.
Comment: This sequence change creates a premature translational stop signal (p.Gly480*) in the COL2A1 gene. It is expected to result in an absent or disrupted protein product. Loss-of-function variants in COL2A1 are known to be pathogenic (PMID: 20179744). This variant is not present in population databases (gnomAD no frequency). This variant has not been reported in the literature in individuals affected with COL2A1-related conditions. ClinVar contains an entry for this variant (Variation ID: 2023708). For these reasons, this variant has been classified as Pathogenic.

Literature cited by the submitters: PubMed 20179744.